The following is an entry in ClinVar:

NM_000059.4(BRCA2):c.6894A>T (p.Glu2298Asp)

Gene: BRCA2 (BRCA2 DNA repair associated; plus strand). Cytogenetic location: 13q13.1.
Variant type: single nucleotide variant.
Coding change: c.6894A>T on transcript NM_000059.4 (MANE Select); coding-DNA position 6894, A replaced by T.
Protein change: p.Glu2298Asp; replaces glutamic acid 2298 with aspartic acid.
Molecular consequence: missense variant.
Genome position (GRCh38, 1-based): chr13:32,344,610, A>T. VCF-style: chr13-32344610-A-T. GRCh37 (hg19) VCF-style: chr13-32918747-A-T.
Other names: short protein forms E2298D.
Identifiers: ClinVar variation 234753 (VCV000234753.16), dbSNP rs876661199, ClinGen allele CA10577485.

ClinVar aggregate classification (germline): Uncertain significance. Review status: criteria provided, multiple submitters, no conflicts (2 of 4 stars). 3 submissions from 3 submitters: Uncertain significance (3). Last evaluated 2025-10-12.

Conditions:
Hereditary cancer-predisposing syndrome. Also called: Hereditary neoplastic syndrome; Hereditary Cancer Syndrome; Neoplastic Syndromes, Hereditary; Tumor predisposition. Identifiers: Orphanet 140162, MedGen C0027672, MeSH D009386, MONDO:0015356.
Hereditary breast ovarian cancer syndrome. Also called: BRCA1- and BRCA2-Associated Hereditary Breast and Ovarian Cancer; Hereditary breast and ovarian cancer syndrome; Hereditary breast and ovarian cancer; Hereditary breast and ovarian cancer syndrome (HBOC); Breast and ovarian cancer; Hereditary breast and/or ovarian cancer syndrome. Identifiers: Orphanet 145, MedGen C0677776, MeSH D061325, MONDO:0003582. Disease mechanism: loss of function.

Allele frequency attached by ClinVar (database versions not stated): gnomAD 0.00001.
gnomAD v4.1: 1 of 1,582,916 alleles (0.000063%); highest among the groups gnomAD compares: African/African-American, 0.0013%; no homozygotes.

Submissions (3):

Labcorp Genetics (formerly Invitae), Labcorp
Classification: Uncertain significance for Hereditary breast ovarian cancer syndrome. Last evaluated: 2025-10-12. Review status: criteria provided, single submitter. Criteria: Invitae Variant Classification Sherloc (09022015). Collection method: clinical testing. Allele origin: germline.
Comment: This sequence change replaces glutamic acid, which is acidic and polar, with aspartic acid, which is acidic and polar, at codon 2298 of the BRCA2 protein (p.Glu2298Asp). This variant is not present in population databases (gnomAD no frequency). This variant has not been reported in the literature in individuals affected with BRCA2-related conditions. ClinVar contains an entry for this variant (Variation ID: 234753). Invitae Evidence Modeling of protein sequence and biophysical properties (such as structural, functional, and spatial information, amino acid conservation, physicochemical variation, residue mobility, and thermodynamic stability) indicates that this missense variant is not expected to disrupt BRCA2 protein function with a negative predictive value of 95%. In summary, the available evidence is currently insufficient to determine the role of this variant in disease. Therefore, it has been classified as a Variant of Uncertain Significance.

Ambry Genetics
Classification: Uncertain significance for Hereditary cancer-predisposing syndrome. Last evaluated: 2024-04-11. Review status: criteria provided, single submitter. Criteria: Ambry Variant Classification Scheme 2023. Collection method: clinical testing. Allele origin: germline.
Comment: The p.E2298D variant (also known as c.6894A>T), located in coding exon 11 of the BRCA2 gene, results from an A to T substitution at nucleotide position 6894. The glutamic acid at codon 2298 is replaced by aspartic acid, an amino acid with highly similar properties. This amino acid position is not well conserved in available vertebrate species. In addition, the in silico prediction for this alteration is inconclusive. Since supporting evidence is limited at this time, the clinical significance of this alteration remains unclear.

GeneDx
Classification: Uncertain significance. Last evaluated: 2016-01-06. Review status: criteria provided, single submitter. Criteria: GeneDx Variant Classification (06012015). Collection method: clinical testing. Allele origin: germline. Affected: yes.
Comment: This variant is denoted BRCA2 c.6894A>T at the cDNA level, p.Glu2298Asp (E2298D) at the protein level, and results in the change of a Glutamic Acid to an Aspartic Acid (GAA>GAT). Using alternate nomenclature, this variant would be defined as BRCA2 7122A>T. This variant has not, to our knowledge, been published in the literature as pathogenic or benign. BRCA2 Glu2298Asp was not observed in approximately 6,500 individuals of European and African American ancestry in the NHLBI Exome Sequencing Project, suggesting it is not a common benign variant in these populations. Since Glutamic Acid and Aspartic Acid share similar properties, this is considered a conservative amino acid substitution. BRCA2 Glu2298Asp occurs at a position that is not conserved and is not located in a known functional domain (Borg 2010, UniProt). In silico analyses predict that this variant is unlikely to alter protein structure or function. Based on currently available evidence, it is unclear whether BRCA2 Glu2298Asp is a pathogenic or benign variant. We consider it to be a variant of uncertain significance.